The following is an entry in ClinVar:

ClinVar aggregate classification (germline): Uncertain significance. Review status: criteria provided, multiple submitters, no conflicts (2 of 4 stars). 2 submissions from 2 submitters: Uncertain significance (2). Last evaluated 2025-11-30.

Conditions:
Hereditary cancer-predisposing syndrome. Also called: Hereditary neoplastic syndrome; Neoplastic Syndromes, Hereditary; Tumor predisposition; Hereditary Cancer Syndrome. Identifiers: Orphanet 140162, MedGen C0027672, MeSH D009386, MONDO:0015356.

gnomAD v4.1: 2 of 1,614,072 alleles (0.00012%); no homozygotes.

Submissions (2):

Ambry Genetics
Classification: Uncertain significance for Hereditary cancer-predisposing syndrome. Last evaluated: 2025-11-30. Review status: criteria provided, single submitter. Criteria: Ambry Variant Classification Scheme 2023. Collection method: clinical testing. Allele origin: germline.
Comment: The p.I1144V variant (also known as c.3430A>G), located in coding exon 28 of the POLE gene, results from an A to G substitution at nucleotide position 3430. The isoleucine at codon 1144 is replaced by valine, an amino acid with highly similar properties. This amino acid position is conserved. In addition, this alteration is predicted to be tolerated by in silico analysis. Based on the available evidence, the clinical significance of this variant remains unclear.

Labcorp Genetics (formerly Invitae), Labcorp
Classification: Uncertain significance. Last evaluated: 2025-07-31. Review status: criteria provided, single submitter. Criteria: Invitae Variant Classification Sherloc (09022015). Collection method: clinical testing. Allele origin: germline.
Comment: This sequence change replaces isoleucine, which is neutral and non-polar, with valine, which is neutral and non-polar, at codon 1144 of the POLE protein (p.Ile1144Val). This variant is not present in population databases (gnomAD no frequency). This variant has not been reported in the literature in individuals affected with POLE-related conditions. ClinVar contains an entry for this variant (Variation ID: 948978). Invitae Evidence Modeling of protein sequence and biophysical properties (such as structural, functional, and spatial information, amino acid conservation, physicochemical variation, residue mobility, and thermodynamic stability) has been performed for this missense variant. However, the output from this modeling did not meet the statistical confidence thresholds required to predict the impact of this variant on POLE protein function. In summary, the available evidence is currently insufficient to determine the role of this variant in disease. Therefore, it has been classified as a Variant of Uncertain Significance.

NM_006231.4(POLE):c.3430A>G (p.Ile1144Val)

Gene: POLE (DNA polymerase epsilon, catalytic subunit; minus strand). Cytogenetic location: 12q24.33.
Variant type: single nucleotide variant.
Coding change: c.3430A>G on transcript NM_006231.4 (MANE Select); coding-DNA position 3430, A replaced by G.
Protein change: p.Ile1144Val; replaces isoleucine 1144 with valine.
Molecular consequence: missense variant.
Genome position (GRCh38, 1-based): chr12:132,657,378, T>C on the plus strand (A>G on the coding strand, the complement: POLE is on the minus strand). VCF-style: chr12-132657378-T-C. GRCh37 (hg19) VCF-style: chr12-133233964-T-C.
Other names: c.3430A>G (NM_006231.2); short protein forms I1144V.
Identifiers: ClinVar variation 948978 (VCV000948978.10), dbSNP rs2042568440, ClinGen allele CA387389048.